The following is an entry in ClinVar:

NM_002485.5(NBN):c.283del (p.Asp95fs)

Gene: NBN (nibrin; minus strand). Cytogenetic location: 8q21.3.
Variant type: Deletion.
Coding change: c.283del on transcript NM_002485.5 (MANE Select); coding-DNA position 283, one base deleted (G; older notation c.283delG).
Protein change: p.Asp95fs; shifts the reading frame from aspartic acid 95.
Molecular consequence: frameshift variant.
Genome position (GRCh38, 1-based): chr8:89,981,412, C deleted on the plus strand (G on the coding strand, the reverse complement: NBN is on the minus strand); the first of 5 consecutive C bases (chr8:89,981,412-89,981,416); deleting any one gives the same sequence. VCF-style (leftmost placement, unchanged base first): chr8-89981411-TC-T. GRCh37 (hg19) VCF-style: chr8-90993639-TC-T.
Other names: c.283del (NM_002485.4); c.37del, p.Asp13fs (NM_001024688.3); short protein forms D13fs, D95fs.
Identifiers: ClinVar variation 1366917 (VCV001366917.8), dbSNP rs2129914556, ClinGen allele CA2573143454.
Genomic context (GRCh38, chr8:89,981,411, plus strand): 5'-AAAATCAATTTTAAAATGTCTTACCTGAATTTACTTCCAAACACTCCAAAAGTAATACCA[TC>T]CCCCGACTTCAAAGTTCGGGAAAAGCCATTCTGCATTTTTTCCTCATTAACAAAGGTACC-3'

ClinVar aggregate classification (germline): Pathogenic/Likely pathogenic. Review status: criteria provided, multiple submitters, no conflicts (2 of 4 stars). 2 submissions from 2 submitters: Pathogenic (1); Likely pathogenic (1). Last evaluated 2025-01-27.

Conditions:
Microcephaly, normal intelligence and immunodeficiency (NBS). Also called: Nijmegen breakage syndrome; SEEMANOVA SYNDROME II; IMMUNODEFICIENCY, MICROCEPHALY, AND CHROMOSOMAL INSTABILITY; Immunodeficiency, microcephaly with normal intelligence; Ataxia telangiectasia variant V1; Microcephaly with normal intelligence immunodeficiency and lymphoreticular malignancies. Identifiers: Orphanet 647, MedGen C0398791, MONDO:0009623, OMIM 251260.

Submissions (2):

Natera, Inc.
Classification: Likely pathogenic for Nijmegen breakage syndrome. Last evaluated: 2025-01-27. Review status: criteria provided, single submitter. Criteria: Natera Variant Classification Schema (03/2026). Collection method: clinical testing. Allele origin: germline.
Comment: The c.283del variant in NBN is a frameshift variant predicted to shift the reading frame beginning at codon 95 and leads to a stop codon 14 codons downstream. This variant is expected to result in nonsense mediated decay, truncation, or a dysfunctional protein product. This variant is rare in the general population with a frequency below the threshold expected for the associated phenotype(s). Given the available evidence, this variant is classified as Likely Pathogenic.

Labcorp Genetics (formerly Invitae), Labcorp
Classification: Pathogenic for Microcephaly, normal intelligence and immunodeficiency. Last evaluated: 2022-11-07. Review status: criteria provided, single submitter. Criteria: Invitae Variant Classification Sherloc (09022015). Collection method: clinical testing. Allele origin: germline.
Comment: ClinVar contains an entry for this variant (Variation ID: 1366917). For these reasons, this variant has been classified as Pathogenic. This variant has not been reported in the literature in individuals affected with NBN-related conditions. This variant is not present in population databases (gnomAD no frequency). This sequence change creates a premature translational stop signal (p.Asp95Metfs*14) in the NBN gene. It is expected to result in an absent or disrupted protein product. Loss-of-function variants in NBN are known to be pathogenic (PMID: 9590180, 16415040).

Literature cited by the submitters: PubMed 9590180 (cited by Labcorp Genetics (formerly Invitae), Labcorp); PubMed 16415040 (cited by Labcorp Genetics (formerly Invitae), Labcorp).